The following is an entry in ClinVar:

NM_003560.4(PLA2G6):c.309_323del (p.His103_Leu107del)

Gene: PLA2G6 (phospholipase A2 group VI; minus strand). Cytogenetic location: 22q13.1.
Variant type: Deletion.
Coding change: c.309_323del on transcript NM_003560.4 (MANE Select); coding-DNA positions 309 to 323, 15 bases deleted (CACTGAGGTCCTGCA).
Protein change: p.His103_Leu107del.
Molecular consequence: 5 prime UTR variant (on NM_001349867.2).
Genome position (GRCh38, 1-based): chr22:38,145,540-38,145,554, TGCAGGACCTCAGTG deleted on the plus strand (CACTGAGGTCCTGCA on the coding strand, the reverse complement: PLA2G6 is on the minus strand); deleting any 15 consecutive bases within chr22:38,145,540-38,145,564 gives the same sequence; the c. name uses the placement nearest the transcript's 3' end. VCF-style (leftmost placement, unchanged base first): chr22-38145539-CTGCAGGACCTCAGTG-C. GRCh37 (hg19) VCF-style: chr22-38541546-CTGCAGGACCTCAGTG-C.
Other names: c.309_323del, p.His103_Leu107del (NM_001004426.3, NM_001199562.3, NM_001349864.2 and 2 more transcripts); c.-226_-212del (NM_001349867.2, NM_001349869.2); c.-182_-168del (NM_001349868.2); c.309_323del15 (NM_003560.4).
Identifiers: ClinVar variation 3366647 (VCV003366647.1).

ClinVar aggregate classification (germline): Uncertain significance (1 of 4 stars; one submission).

Submission:

Women's Health and Genetics/Laboratory Corporation of America, LabCorp
Classification: Uncertain significance. Last evaluated: 2024-08-22. Review status: criteria provided, single submitter. Criteria: LabCorp Variant Classification Summary - May 2015. Collection method: clinical testing. Allele origin: germline.
Comment: Variant summary: PLA2G6 c.309_323del15 (p.His103_Leu107del) results in an in-frame deletion that is predicted to remove five amino acids from the encoded protein. The variant was absent in 250152 control chromosomes. The available data on variant occurrences in the general population are insufficient to allow any conclusion about variant significance. To our knowledge, no occurrence of c.309_323del15 in individuals affected with Neurodegeneration With Brain Iron Accumulation and no experimental evidence demonstrating its impact on protein function have been reported. No submitters have cited clinical-significance assessments for this variant to ClinVar. Based on the evidence outlined above, the variant was classified as uncertain significance.